The following is an entry in ClinVar:

NM_001034853.2(RPGR):c.934+1G>C

Gene: RPGR (retinitis pigmentosa GTPase regulator; minus strand). Cytogenetic location: Xp11.4.
Variant type: single nucleotide variant.
Coding change: c.934+1G>C on transcript NM_001034853.2 (MANE Select); the canonical splice donor site of the intron after coding-DNA position 934, G replaced by C.
Molecular consequence: splice donor variant.
Genome position (GRCh38, 1-based): chrX:38,304,634, C>G on the plus strand (G>C on the coding strand, the complement: RPGR is on the minus strand). VCF-style: chrX-38304634-C-G. GRCh37 (hg19) VCF-style: chrX-38163887-C-G.
Other names: c.934+1G>C (NM_001367251.1, NM_001367246.1, NM_001367247.1 and 1 more transcripts); c.964+1G>C (NM_001367248.1); c.931+1G>C (NM_001367249.1, NM_001367250.1, NM_001367245.1).
Identifiers: ClinVar variation 98813 (VCV000098813.8), dbSNP rs62640592, ClinGen allele CA226464.

ClinVar aggregate classification (germline): Pathogenic. Review status: reviewed by expert panel (3 of 4 stars). 4 submissions from 4 submitters: Pathogenic (1). 3 of the submissions do not count toward it. Last evaluated 2026-09-26.

Conditions:
RPGR-related retinopathy. Also called: RPGR retinopathy. Identifiers: MedGen CN305589, MONDO:0100437.
RPGR-related disorder. Also called: RPGR-related condition.
Primary ciliary dyskinesia. Also called: Ciliary dyskinesia. Identifiers: Orphanet 244, MedGen C0008780, MONDO:0016575, HP:0012265.

Submissions (4):

ClinGen X-linked Inherited Retinal Disease Variant Curation Expert Panel, ClinGen
Classification: Pathogenic for RPGR-related retinopathy. Last evaluated: 2026-09-26. Review status: reviewed by expert panel. Criteria: ClinGen X LinkedIRD ACMG Specifications RPGR V1.0.0. Collection method: curation. Allele origin: germline. Inheritance: X-linked inheritance.
Comment: NM_001034853.2(RPGR):c.934+1G>C is a canonical splice site variant in intron 8 and is shown to disrupt splicing and induce skipping of exon 8, which is expected to remove/disrupt a critical functional domain in RPGR (PVS1). Another variant, c.934+1G>T, was previously classified as pathogenic in the same donor/acceptor +/-1,2 dinucleotide for the RPGR-related X-linked IRD VCEP (PS1_supporting). This variant is absent from hemizygous individuals in gnomAD v4.1.0 (PM2_Supporting). The variant has been reported to segregate with retinal dystrophy through at least 3 affected meioses from 1 family. (PP1_moderate; PMID: 11180598). In summary, this variant is classified as pathogenic for RPGR-related retinopathy based on the ClinGen X-linked Inherited Retinal Disease Expert Panel Specifications to the ACMG/AMP Variant Interpretation Guidelines for RPGR Version 1.0.0: PVS1, PP1_moderate, PM2_Supporting, and PS1_supporting.

3billion
Classification: Pathogenic for RPGR-related disorder. Last evaluated: 2026-01-13. Review status: criteria provided, single submitter. Criteria: ACMG Guidelines, 2015. Collection method: clinical testing. Allele origin: germline. Affected: yes. Not counted in ClinVar's aggregate classification.
Comment: The variant is not observed in the gnomAD v4.1.0 dataset. Predicted Consequence/Location: Canonical splice site: predicted to alter splicing and result in a loss or disruption of normal protein function. Multiple pathogenic loss-of-function variants are reported downstream of the variant. In silico tools predict the variant to alter splicing and produce an abnormal transcript [SpliceAI: 0.97 (spliceogenicity >=0.2, non-spliceogenicity <0.1)]. The variant has been reported to be associated with RPGR-related disorder (ClinVar ID: VCV000098813 /PMID: 11180598). Therefore, this variant is classified as Pathogenic according to the recommendation of ACMG/AMP guideline.

Labcorp Genetics (formerly Invitae), Labcorp
Classification: Pathogenic for Primary ciliary dyskinesia. Last evaluated: 2024-08-30. Review status: criteria provided, single submitter. Criteria: Invitae Variant Classification Sherloc (09022015). Collection method: clinical testing. Allele origin: germline. Not counted in ClinVar's aggregate classification.
Comment: This sequence change affects a donor splice site in intron 8 of the RPGR gene. It is expected to disrupt RNA splicing. Variants that disrupt the donor or acceptor splice site typically lead to a loss of protein function (PMID: 16199547), and loss-of-function variants in RPGR are known to be pathogenic (PMID: 16055928, 16969763). This variant is not present in population databases (gnomAD no frequency). Disruption of this splice site has been observed in individuals with X-linked retinitis pigmentosa (PMID: 11180598, 33576794). This variant is also known as IVS8+1G>C. ClinVar contains an entry for this variant (Variation ID: 98813). Algorithms developed to predict the effect of sequence changes on RNA splicing suggest that this variant may disrupt the consensus splice site. For these reasons, this variant has been classified as Pathogenic.

Retina International
No classification provided. Review status: no classification provided. Collection method: not provided. Allele origin: not provided. Not counted in ClinVar's aggregate classification.

Literature cited by the submitters: PubMed 11180598 (cited by 3billion and Labcorp Genetics (formerly Invitae), Labcorp); PubMed 16199547 (cited by Labcorp Genetics (formerly Invitae), Labcorp); PubMed 16055928 (cited by Labcorp Genetics (formerly Invitae), Labcorp); PubMed 16969763 (cited by Labcorp Genetics (formerly Invitae), Labcorp); PubMed 33576794 (cited by Labcorp Genetics (formerly Invitae), Labcorp).